The following is an entry in ClinVar:

ClinVar aggregate classification (germline): Uncertain significance (1 of 4 stars; one submission).

Conditions:
Hereditary cancer-predisposing syndrome. Also called: Neoplastic Syndromes, Hereditary; Tumor predisposition; Hereditary neoplastic syndrome; Hereditary Cancer Syndrome. Identifiers: Orphanet 140162, MedGen C0027672, MeSH D009386, MONDO:0015356.
Cardiovascular phenotype. Identifiers: MedGen CN230736.

Submission:

Ambry Genetics
Classification: Uncertain significance for Cardiovascular phenotype; Hereditary cancer-predisposing syndrome. Last evaluated: 2023-11-01. Review status: criteria provided, single submitter. Criteria: Ambry Variant Classification Scheme 2023. Collection method: clinical testing. Allele origin: germline.
Comment: The p.P640S variant (also known as c.1918C>T), located in coding exon 16 of the LZTR1 gene, results from a C to T substitution at nucleotide position 1918. The proline at codon 640 is replaced by serine, an amino acid with similar properties. This amino acid position is conserved. In addition, this alteration is predicted to be tolerated by in silico analysis. Since supporting evidence is limited at this time, the clinical significance of this alteration remains unclear.

NM_006767.4(LZTR1):c.1918C>T (p.Pro640Ser)

Gene: LZTR1 (leucine zipper like post translational regulator 1; plus strand). Cytogenetic location: 22q11.21.
Variant type: single nucleotide variant.
Coding change: c.1918C>T on transcript NM_006767.4 (MANE Select); coding-DNA position 1918, C replaced by T.
Protein change: p.Pro640Ser; replaces proline 640 with serine.
Molecular consequence: missense variant.
Genome position (GRCh38, 1-based): chr22:20,995,002, C>T. VCF-style: chr22-20995002-C-T. GRCh37 (hg19) VCF-style: chr22-21349291-C-T.
Other names: short protein forms P640S.
Identifiers: ClinVar variation 3238165 (VCV003238165.1), dbSNP rs2518622636.